The following is an entry in ClinVar:

NM_145068.4(TRPV3):c.*3149T>C

Genes: TRPV3 (transient receptor potential cation channel subfamily V member 3; minus strand), SPATA22 (spermatogenesis associated 22; minus strand). Cytogenetic location: 17p13.2.
Variant type: single nucleotide variant.
Coding change: c.*3149T>C on transcript NM_145068.4 (MANE Select); 3149 bases downstream of the stop codon, T replaced by C.
Molecular consequence: 3 prime UTR variant. On other transcripts: intron variant (2).
Genome position (GRCh38, 1-based): chr17:3,510,768, A>G on the plus strand (T>C on the coding strand, the complement: TRPV3 is on the minus strand). VCF-style: chr17-3510768-A-G. GRCh37 (hg19) VCF-style: chr17-3414062-A-G.
Other names: c.*3149T>C (NM_001258205.2); c.-74+2644T>C (NM_001321336.2, NM_001321337.2).
Identifiers: ClinVar variation 322679 (VCV000322679.7), dbSNP rs2271157, ClinGen allele CA10645329.
Genomic context (GRCh38, chr17:3,510,768, plus strand): 5'-ATCACAGTAAAAAATATGTAAATCAATGCAGAAATCAAGTACGGCTTACAGGCCCGGATG[A>G]CGGCCCATCTACCTGGGCCCTGCCCAGAGCGAAAGGTCACAGGTCACCAGGCCTTGAGGA-3'

ClinVar aggregate classification (germline): Benign (1 of 4 stars; one submission).

Conditions:
Isolated focal non-epidermolytic palmoplantar keratoderma. Also called: Palmoplantar keratoderma, nonepidermolytic, focal 2. Identifiers: Orphanet 448264, MedGen C4225339, MONDO:0014622, OMIM 616400.

Allele frequency attached by ClinVar (database versions not stated): gnomAD 0.00082 and 0.00051; 1000 Genomes Project 0.00339; TOPMed 0.00084; 1000 Genomes Project 30x 0.00359.

Submission:

Illumina Laboratory Services, Illumina
Classification: Benign for Isolated focal non-epidermolytic palmoplantar keratoderma. Last evaluated: 2018-01-12. Review status: criteria provided, single submitter. Criteria: ICSL Variant Classification Criteria 13 December 2019. Collection method: clinical testing. Allele origin: germline.
Comment: This variant was observed in the ICSL laboratory as part of a predisposition screen in an ostensibly healthy population. It had not been previously curated by ICSL or reported in the Human Gene Mutation Database (HGMD: prior to June 1st, 2018), and was therefore a candidate for classification through an automated scoring system. Utilizing variant allele frequency, disease prevalence and penetrance estimates, and inheritance mode, an automated score was calculated to assess if this variant is too frequent to cause the disease. Based on the score and internal cut-off values, a variant classified as benign is not then subjected to further curation. The score for this variant resulted in a classification of benign for this disease.